The following is an entry in ClinVar:

NM_182972.3(IRF2BP2):c.1481C>T (p.Pro494Leu)

Gene: IRF2BP2 (interferon regulatory factor 2 binding protein 2; minus strand). Cytogenetic location: 1q42.3.
Variant type: single nucleotide variant.
Coding change: c.1481C>T on transcript NM_182972.3 (MANE Select); coding-DNA position 1481, C replaced by T.
Protein change: p.Pro494Leu; replaces proline 494 with leucine.
Molecular consequence: missense variant.
Genome position (GRCh38, 1-based): chr1:234,607,420, G>A on the plus strand (C>T on the coding strand, the complement: IRF2BP2 is on the minus strand). VCF-style: chr1-234607420-G-A. GRCh37 (hg19) VCF-style: chr1-234743166-G-A.
Other names: c.1433C>T, p.Pro478Leu (NM_001077397.1); short protein forms P478L, P494L.
Identifiers: ClinVar variation 2795864 (VCV002795864.3), dbSNP rs777450851, ClinGen allele CA345305467.

ClinVar aggregate classification (germline): Uncertain significance (1 of 4 stars; one submission).

Allele frequency attached by ClinVar (database versions not stated): TOPMed below 0.00001.

Submission:

Labcorp Genetics (formerly Invitae), Labcorp
Classification: Uncertain significance. Last evaluated: 2023-03-20. Review status: criteria provided, single submitter. Criteria: Invitae Variant Classification Sherloc (09022015). Collection method: clinical testing. Allele origin: germline.
Comment: This sequence change replaces proline, which is neutral and non-polar, with leucine, which is neutral and non-polar, at codon 494 of the IRF2BP2 protein (p.Pro494Leu). This variant is not present in population databases (gnomAD no frequency). This variant has not been reported in the literature in individuals affected with IRF2BP2-related conditions. An algorithm developed to predict the effect of missense changes on protein structure and function (PolyPhen-2) suggests that this variant is likely to be disruptive. In summary, the available evidence is currently insufficient to determine the role of this variant in disease. Therefore, it has been classified as a Variant of Uncertain Significance.